The following is an entry in ClinVar:

ClinVar aggregate classification (germline): Pathogenic (1 of 4 stars; one submission).

Conditions:
Hemochromatosis type 2A (HFE2A). Also called: Adult-Onset Hemochromatosis; HJV (HFE2)-Related Juvenile Hemochromatosis. Identifiers: Orphanet 79230, MedGen C1865614, MONDO:0011216, OMIM 602390.

gnomAD v4.1: 1 of 1,613,844 alleles (0.000062%); highest among the groups gnomAD compares: Non-Finnish European, 0.000085%; no homozygotes.

Submission:

Women's Health and Genetics/Laboratory Corporation of America, LabCorp
Classification: Pathogenic for Hemochromatosis type 2A. Last evaluated: 2025-06-09. Review status: criteria provided, single submitter. Criteria: LabCorp Variant Classification Summary - May 2015. Collection method: clinical testing. Allele origin: germline.
Comment: Variant summary: HJV c.509T>C (p.Phe170Ser) results in a non-conservative amino acid change in the encoded protein sequence. Algorithms developed to predict the effect of missense changes on protein structure and function are either unavailable or do not agree on the potential impact of this missense change. The variant was absent in 277114 control chromosomes (gnomAD). c.509T>C has been observed in individuals affected with Hemochromatosis Type 2A (Lanzara_2004). These data indicate that the variant is likely to be associated with disease. At least one publication reports experimental evidence evaluating an impact on protein function, finding that the variant results in a loss of cell surface expression (Silvestri_2007). The following publications have been ascertained in the context of this evaluation (PMID: 14982873, 17264300). No submitters have cited clinical-significance assessments for this variant to ClinVar. Based on the evidence outlined above, the variant was classified as pathogenic.

Literature cited by the submitters: PubMed 14982873; PubMed 17264300.

NM_213653.4(HJV):c.509T>C (p.Phe170Ser)

Gene: HJV (hemojuvelin BMP co-receptor; minus strand). Cytogenetic location: 1q21.1.
Variant type: single nucleotide variant.
Coding change: c.509T>C on transcript NM_213653.4 (MANE Select); coding-DNA position 509, T replaced by C.
Protein change: p.Phe170Ser; replaces phenylalanine 170 with serine.
Molecular consequence: missense variant. On other transcripts: intron variant (3).
Genome position (GRCh38, 1-based): chr1:146,019,323, A>G on the plus strand (T>C on the coding strand, the complement: HJV is on the minus strand). VCF-style: chr1-146019323-A-G. GRCh37 (hg19) VCF-style: chr1-145415690-T-C.
Other names: c.509T>C, p.Phe170Ser (NM_001379352.1); c.170T>C, p.Phe57Ser (NM_145277.5); c.-21-623T>C (NM_213652.4); c.-22+375T>C (NM_202004.4, NM_001316767.2); short protein forms F170S, F57S.
Identifiers: ClinVar variation 3907280 (VCV003907280.1).
Genomic context (GRCh38, chr1:146,019,323, plus strand): 5'-GCTCCTTGGACACGGCATGTGTGAAAGTGATGGTGGAAGCTGCGCACATGGGGGTCCCCG[A>G]AGGAAGCGCAATGCAAGAACCCCGGGGGACGACCATGCAGCCGGGAAAACCGGCCTTCAT-3'
Protein context (NP_998818.1, residues 160-180): RPPGFLHCAS[Phe170Ser]GDPHVRSFHH